The following is an entry in ClinVar:

NM_015122.3(FCHO1):c.908C>T (p.Pro303Leu)

Gene: FCHO1 (FCH and mu domain containing endocytic adaptor 1; plus strand). Cytogenetic location: 19p13.11.
Variant type: single nucleotide variant.
Coding change: c.908C>T on transcript NM_015122.3 (MANE Select); coding-DNA position 908, C replaced by T.
Protein change: p.Pro303Leu; replaces proline 303 with leucine.
Molecular consequence: missense variant. On other transcripts: non-coding transcript variant (36).
Genome position (GRCh38, 1-based): chr19:17,774,466, C>T. VCF-style: chr19-17774466-C-T. GRCh37 (hg19) VCF-style: chr19-17885275-C-T.
Other names: c.908C>T, p.Pro303Leu (NM_001161357.2, NM_001161358.2, NM_001384370.1 and 25 more transcripts); c.758C>T, p.Pro253Leu (NM_001161359.2, NM_001384384.1, NM_001384385.1 and 3 more transcripts); c.863C>T, p.Pro288Leu (NM_001384403.1); c.869C>T, p.Pro290Leu (NM_001384405.1, NM_001384388.1, NM_001384389.1); c.833C>T, p.Pro278Leu (NM_001384390.1); short protein forms P288L, P290L, P278L, P253L, P303L.
Identifiers: ClinVar variation 2060288 (VCV002060288.4), dbSNP rs2092324493, ClinGen allele CA404750737.

ClinVar aggregate classification (germline): Uncertain significance (1 of 4 stars; one submission).

Allele frequency attached by ClinVar (database versions not stated): TOPMed below 0.00001; gnomAD exomes 0.00001.
gnomAD v4.1: 3 of 1,612,914 alleles (0.00019%); highest among the groups gnomAD compares: Non-Finnish European, 0.00025%; no homozygotes.

Submission:

Labcorp Genetics (formerly Invitae), Labcorp
Classification: Uncertain significance. Last evaluated: 2022-03-04. Review status: criteria provided, single submitter. Criteria: Invitae Variant Classification Sherloc (09022015). Collection method: clinical testing. Allele origin: germline.
Comment: This variant is not present in population databases (gnomAD no frequency). In summary, the available evidence is currently insufficient to determine the role of this variant in disease. Therefore, it has been classified as a Variant of Uncertain Significance. Algorithms developed to predict the effect of missense changes on protein structure and function (SIFT, PolyPhen-2, Align-GVGD) all suggest that this variant is likely to be tolerated. This variant has not been reported in the literature in individuals affected with FCHO1-related conditions. This sequence change replaces proline, which is neutral and non-polar, with leucine, which is neutral and non-polar, at codon 303 of the FCHO1 protein (p.Pro303Leu).